The following is an entry in ClinVar:

ClinVar aggregate classification (germline): Uncertain significance (1 of 4 stars; one submission).

gnomAD v4.1: 2 of 1,613,960 alleles (0.00012%); highest among the groups gnomAD compares: Admixed American, 0.0033%; no homozygotes.

Submission:

Labcorp Genetics (formerly Invitae), Labcorp
Classification: Uncertain significance. Last evaluated: 2025-05-09. Review status: criteria provided, single submitter. Criteria: Invitae Variant Classification Sherloc (09022015). Collection method: clinical testing. Allele origin: germline.
Comment: This sequence change replaces lysine, which is basic and polar, with threonine, which is neutral and polar, at codon 14 of the EGF protein (p.Lys14Thr). This variant is present in population databases (no rsID available, gnomAD 0.006%). This variant has not been reported in the literature in individuals affected with EGF-related conditions. ClinVar contains an entry for this variant (Variation ID: 3611293). An algorithm developed to predict the effect of missense changes on protein structure and function outputs the following: PolyPhen-2: "Benign". The threonine amino acid residue is found in multiple mammalian species, which suggests that this missense change does not adversely affect protein function. In summary, the available evidence is currently insufficient to determine the role of this variant in disease. Therefore, it has been classified as a Variant of Uncertain Significance.

NM_001963.6(EGF):c.41A>C (p.Lys14Thr)

Gene: EGF (epidermal growth factor; plus strand). Cytogenetic location: 4q25.
Variant type: single nucleotide variant.
Coding change: c.41A>C on transcript NM_001963.6 (MANE Select); coding-DNA position 41, A replaced by C.
Protein change: p.Lys14Thr; replaces lysine 14 with threonine.
Molecular consequence: missense variant.
Genome position (GRCh38, 1-based): chr4:109,913,376, A>C. VCF-style: chr4-109913376-A-C. GRCh37 (hg19) VCF-style: chr4-110834532-A-C.
Other names: c.41A>C, p.Lys14Thr (NM_001178130.3, NM_001178131.3, NM_001357021.2); short protein forms K14T.
Identifiers: ClinVar variation 3611293 (VCV003611293.2).
Genomic context (GRCh38, chr4:109,913,376, plus strand): 5'-AGTTCAAACTCATCAAGATTATGCTGCTCACTCTTATCATTCTGTTGCCAGTAGTTTCAA[A>C]ATTTAGTTTTGTTAGTCTCTCAGCACCGCAGCACTGGAGCTGTCCTGAAGGTACTCTCGC-3'
Protein context (NP_001954.2, residues 4-24): TLIILLPVVS[Lys14Thr]FSFVSLSAPQ